The following is an entry in ClinVar:

NM_006231.4(POLE):c.1259G>A (p.Gly420Asp)

Gene: POLE (DNA polymerase epsilon, catalytic subunit; minus strand). Cytogenetic location: 12q24.33.
Variant type: single nucleotide variant.
Coding change: c.1259G>A on transcript NM_006231.4 (MANE Select); coding-DNA position 1259, G replaced by A.
Protein change: p.Gly420Asp; replaces glycine 420 with aspartic acid.
Molecular consequence: missense variant.
Genome position (GRCh38, 1-based): chr12:132,673,675, C>T on the plus strand (G>A on the coding strand, the complement: POLE is on the minus strand). VCF-style: chr12-132673675-C-T. GRCh37 (hg19) VCF-style: chr12-133250261-C-T.
Other names: c.1259G>A (NM_006231.2); short protein forms G420D.
Identifiers: ClinVar variation 1337022 (VCV001337022.13), dbSNP rs2136000426, ClinGen allele CA387359604.

ClinVar aggregate classification (germline): Uncertain significance. Review status: criteria provided, multiple submitters, no conflicts (2 of 4 stars). 4 submissions from 4 submitters: Uncertain significance (4). Last evaluated 2025-08-21.

Conditions:
Hereditary cancer-predisposing syndrome. Also called: Tumor predisposition; Hereditary Cancer Syndrome; Neoplastic Syndromes, Hereditary; Hereditary neoplastic syndrome. Identifiers: Orphanet 140162, MedGen C0027672, MeSH D009386, MONDO:0015356.

gnomAD v4.1: 1 of 1,613,924 alleles (0.000062%); highest among the groups gnomAD compares: Non-Finnish European, 0.000085%; no homozygotes.

Submissions (4):

Ambry Genetics
Classification: Uncertain significance for Hereditary cancer-predisposing syndrome. Last evaluated: 2025-08-21. Review status: criteria provided, single submitter. Criteria: Ambry Variant Classification Scheme 2023. Collection method: clinical testing. Allele origin: germline.
Comment: The p.G420D variant (also known as c.1259G>A), located in coding exon 13 of the POLE gene, results from a G to A substitution at nucleotide position 1259. The glycine at codon 420 is replaced by aspartic acid, an amino acid with similar properties. This amino acid position is highly conserved in available vertebrate species. In addition, this alteration is predicted to be deleterious by in silico analysis. Based on the available evidence, the clinical significance of this variant remains unclear.

Center for Genomic Medicine, Rigshospitalet, Copenhagen University Hospital
Classification: Uncertain significance. Last evaluated: 2025-03-04. Review status: criteria provided, single submitter. Criteria: ACMG Guidelines, 2015. Collection method: clinical testing. Allele origin: germline.

Labcorp Genetics (formerly Invitae), Labcorp
Classification: Uncertain significance. Last evaluated: 2023-01-02. Review status: criteria provided, single submitter. Criteria: Invitae Variant Classification Sherloc (09022015). Collection method: clinical testing. Allele origin: germline.
Comment: This sequence change replaces glycine, which is neutral and non-polar, with aspartic acid, which is acidic and polar, at codon 420 of the POLE protein (p.Gly420Asp). This variant is not present in population databases (gnomAD no frequency). This variant has not been reported in the literature in individuals affected with POLE-related conditions. ClinVar contains an entry for this variant (Variation ID: 1337022). Advanced modeling of protein sequence and biophysical properties (such as structural, functional, and spatial information, amino acid conservation, physicochemical variation, residue mobility, and thermodynamic stability) performed at Invitae indicates that this missense variant is expected to disrupt POLE protein function. In summary, the available evidence is currently insufficient to determine the role of this variant in disease. Therefore, it has been classified as a Variant of Uncertain Significance.

Genetic Services Laboratory, University of Chicago
Classification: Uncertain significance. Last evaluated: 2019-02-22. Review status: criteria provided, single submitter. Criteria: ACMG Guidelines, 2015. Collection method: clinical testing. Allele origin: germline. Affected: no.